The following is an entry in ClinVar:

ClinVar aggregate classification (germline): Uncertain significance (1 of 4 stars; one submission).

Conditions:
Peroxisome biogenesis disorder 2B (PBD2B). Identifiers: Orphanet 44, MedGen C3550234, MONDO:0008736, OMIM 202370.

Submission:

Labcorp Genetics (formerly Invitae), Labcorp
Classification: Uncertain significance for Peroxisome biogenesis disorder 2B. Last evaluated: 2022-09-06. Review status: criteria provided, single submitter. Criteria: Invitae Variant Classification Sherloc (09022015). Collection method: clinical testing. Allele origin: germline.
Comment: In summary, the available evidence is currently insufficient to determine the role of this variant in disease. Therefore, it has been classified as a Variant of Uncertain Significance. Algorithms developed to predict the effect of missense changes on protein structure and function are either unavailable or do not agree on the potential impact of this missense change (SIFT: "Tolerated"; PolyPhen-2: "Probably Damaging"; Align-GVGD: "Class C0"). This variant has not been reported in the literature in individuals affected with PEX5-related conditions. This variant is not present in population databases (gnomAD no frequency). This sequence change replaces alanine, which is neutral and non-polar, with glycine, which is neutral and non-polar, at codon 354 of the PEX5 protein (p.Ala354Gly).

NM_001351132.2(PEX5):c.1061C>G (p.Ala354Gly)

Gene: PEX5 (peroxisomal biogenesis factor 5; plus strand). Cytogenetic location: 12p13.31.
Variant type: single nucleotide variant.
Coding change: c.1061C>G on transcript NM_001351132.2 (MANE Select); coding-DNA position 1061, C replaced by G.
Protein change: p.Ala354Gly; replaces alanine 354 with glycine.
Molecular consequence: missense variant.
Genome position (GRCh38, 1-based): chr12:7,207,753, C>G. VCF-style: chr12-7207753-C-G. GRCh37 (hg19) VCF-style: chr12-7360349-C-G.
Other names: c.1037C>G, p.Ala346Gly (NM_000319.5); c.1106C>G, p.Ala369Gly (NM_001131023.2); c.950C>G, p.Ala317Gly (NM_001131024.2, NM_001351124.3, NM_001351126.2 and 7 more transcripts); c.1061C>G, p.Ala354Gly (NM_001131025.2, NM_001131026.2, NM_001300789.3 and 4 more transcripts); c.926C>G, p.Ala309Gly (NM_001374649.2, NM_001351139.2, NM_001351140.2); c.995C>G, p.Ala332Gly (NM_001351135.3, NM_001351138.2); c.1052C>G, p.Ala351Gly (NM_001351136.2); short protein forms A309G, A351G, A317G, A332G, A346G, A354G, A369G.
Identifiers: ClinVar variation 2124267 (VCV002124267.4), dbSNP rs1591791581, ClinGen allele CA383730758.